The following is an entry in ClinVar:

ClinVar aggregate classification (germline): Benign. Review status: criteria provided, single submitter (1 of 4 stars). 2 submissions from 2 submitters: Benign (1). 1 of the submissions does not count toward it. Last evaluated 2026-01-25.

Conditions:
CAD-related disorder. Also called: CAD-related condition.

Allele frequency attached by ClinVar (database versions not stated): gnomAD exomes 0.00008 and 0.00042; gnomAD 0.00016 and 0.00022; TOPMed 0.00025; ExAC 0.00045; 1000 Genomes Project 0.00200; 1000 Genomes Project 30x 0.00219.

Submissions (2):

Labcorp Genetics (formerly Invitae), Labcorp
Classification: Benign. Last evaluated: 2026-01-25. Review status: criteria provided, single submitter. Criteria: Invitae Variant Classification Sherloc (09022015). Collection method: clinical testing. Allele origin: germline.

PreventionGenetics, part of Exact Sciences
Classification: Likely benign for CAD-related condition. Last evaluated: 2019-08-09. Review status: no assertion criteria provided. Collection method: clinical testing. Allele origin: germline. Not counted in ClinVar's aggregate classification.
Comment: This variant is classified as likely benign based on ACMG/AMP sequence variant interpretation guidelines (Richards et al. 2015 PMID: 25741868, with internal and published modifications).

NM_004341.5(CAD):c.1203A>G (p.Ser401=)

Gene: CAD (carbamoyl-phosphate synthetase 2, aspartate transcarbamylase, and dihydroorotase; plus strand). Cytogenetic location: 2p23.3.
Variant type: single nucleotide variant.
Coding change: c.1203A>G on transcript NM_004341.5 (MANE Select); coding-DNA position 1203, A replaced by G.
Protein change: p.Ser401=; no amino-acid change (serine 401 retained).
Molecular consequence: synonymous variant.
Genome position (GRCh38, 1-based): chr2:27,224,439, A>G. VCF-style: chr2-27224439-A-G. GRCh37 (hg19) VCF-style: chr2-27447307-A-G.
Other names: c.1203A>G (NM_004341.4); c.1203A>G, p.Ser401= (NM_001306079.2).
Identifiers: ClinVar variation 1653081 (VCV001653081.10), dbSNP rs186063223, ClinGen allele CA1572642.